The following is an entry in ClinVar:

NM_000632.4(ITGAM):c.694C>T (p.Arg232Cys)

Gene: ITGAM (integrin subunit alpha M; plus strand). Cytogenetic location: 16p11.2.
Variant type: single nucleotide variant.
Coding change: c.694C>T on transcript NM_000632.4 (MANE Select); coding-DNA position 694, C replaced by T.
Protein change: p.Arg232Cys; replaces arginine 232 with cysteine.
Molecular consequence: missense variant.
Genome position (GRCh38, 1-based): chr16:31,271,982, C>T. VCF-style: chr16-31271982-C-T. GRCh37 (hg19) VCF-style: chr16-31283303-C-T.
Other names: c.694C>T, p.Arg232Cys (NM_001145808.2); c.694C>T (NM_000632.3); short protein forms R232C.
Identifiers: ClinVar variation 1392871 (VCV001392871.10), dbSNP rs375636330, ClinGen allele CA8025301.

ClinVar aggregate classification (germline): Uncertain significance. Review status: criteria provided, multiple submitters, no conflicts (2 of 4 stars). 2 submissions from 2 submitters: Uncertain significance (2). Last evaluated 2025-11-13.

Allele frequency attached by ClinVar (database versions not stated): ExAC 0.00002; gnomAD 0.00002; gnomAD exomes 0.00006; ESP Exome Variant Server 0.00008.

Submissions (2):

Ambry Genetics
Classification: Uncertain significance. Last evaluated: 2025-11-13. Review status: criteria provided, single submitter. Criteria: Ambry Variant Classification Scheme 2023. Collection method: clinical testing. Allele origin: germline.

Labcorp Genetics (formerly Invitae), Labcorp
Classification: Uncertain significance. Last evaluated: 2025-10-24. Review status: criteria provided, single submitter. Criteria: Invitae Variant Classification Sherloc (09022015). Collection method: clinical testing. Allele origin: germline.
Comment: This sequence change replaces arginine, which is basic and polar, with cysteine, which is neutral and slightly polar, at codon 232 of the ITGAM protein (p.Arg232Cys). This variant is present in population databases (rs375636330, gnomAD 0.02%). This variant has not been reported in the literature in individuals affected with ITGAM-related conditions. ClinVar contains an entry for this variant (Variation ID: 1392871). An algorithm developed to predict the effect of missense changes on protein structure and function (PolyPhen-2) suggests that this variant is likely to be disruptive. In summary, the available evidence is currently insufficient to determine the role of this variant in disease. Therefore, it has been classified as a Variant of Uncertain Significance.